The following is an entry in ClinVar:

ClinVar aggregate classification (germline): Uncertain significance (1 of 4 stars; one submission).

Submission:

Labcorp Genetics (formerly Invitae), Labcorp
Classification: Uncertain significance. Last evaluated: 2023-08-07. Review status: criteria provided, single submitter. Criteria: Invitae Variant Classification Sherloc (09022015). Collection method: clinical testing. Allele origin: germline.
Comment: This sequence change replaces methionine, which is neutral and non-polar, with isoleucine, which is neutral and non-polar, at codon 484 of the CTNNA1 protein (p.Met484Ile). This variant is not present in population databases (gnomAD no frequency). This variant has not been reported in the literature in individuals affected with CTNNA1-related conditions. Advanced modeling of protein sequence and biophysical properties (such as structural, functional, and spatial information, amino acid conservation, physicochemical variation, residue mobility, and thermodynamic stability) performed at Invitae indicates that this missense variant is not expected to disrupt CTNNA1 protein function. In summary, the available evidence is currently insufficient to determine the role of this variant in disease. Therefore, it has been classified as a Variant of Uncertain Significance.

NM_001903.5(CTNNA1):c.1452G>C (p.Met484Ile)

Gene: CTNNA1 (catenin alpha 1; plus strand). Cytogenetic location: 5q31.2.
Variant type: single nucleotide variant.
Coding change: c.1452G>C on transcript NM_001903.5 (MANE Select); coding-DNA position 1452, G replaced by C.
Protein change: p.Met484Ile; replaces methionine 484 with isoleucine.
Molecular consequence: missense variant. On other transcripts: initiator codon variant (5).
Genome position (GRCh38, 1-based): chr5:138,917,804, G>C. VCF-style: chr5-138917804-G-C. GRCh37 (hg19) VCF-style: chr5-138253493-G-C.
Other names: c.1452G>C, p.Met484Ile (NM_001290307.3, NM_001323982.2, NM_001323983.1 and 2 more transcripts); c.1143G>C, p.Met381Ile (NM_001290309.3); c.1083G>C, p.Met361Ile (NM_001290310.3); c.342G>C, p.Met114Ile (NM_001290312.1, NM_001323987.1, NM_001323988.1 and 17 more transcripts); c.1359G>C, p.Met453Ile (NM_001323986.2); c.99G>C, p.Met33Ile (NM_001324012.1, NM_001324013.1); c.3G>C, p.Met1Ile (NM_001324006.1, NM_001324007.1, NM_001324008.1 and 2 more transcripts); c.249G>C, p.Met83Ile (NM_001324011.1); short protein forms M114I, M381I, M453I, M484I, M83I, M1I, M361I, M33I.
Identifiers: ClinVar variation 2728085 (VCV002728085.3), dbSNP rs2533589247, ClinGen allele CA361137216.